The following is an entry in ClinVar:

ClinVar aggregate classification (germline): Conflicting classifications of pathogenicity. Review status: criteria provided, conflicting classifications (1 of 4 stars). 7 submissions from 6 submitters: Uncertain significance (1); Benign (1); Likely benign (5). Last evaluated 2026-01-27.

Conditions:
Acrodysostosis 1 with or without hormone resistance (ACRDYS1). Also called: ACRODYSOSTOSIS 1 WITH HORMONE RESISTANCE; ACRODYSOSTOSIS 1 WITHOUT HORMONE RESISTANCE; ACRODYSOSTOSIS WITH HORMONE RESISTANCE. Identifiers: Orphanet 280651, MedGen C3276228, MONDO:0007044, OMIM 101800.
Carney complex, type 1 (CNC1). Also called: CARNEY MYXOMA-ENDOCRINE COMPLEX; CARNEY COMPLEX, TYPE I. Identifiers: Orphanet 1359, MedGen C2607929, MONDO:0008057, OMIM 160980.
Hereditary cancer-predisposing syndrome. Also called: Hereditary Cancer Syndrome; Neoplastic Syndromes, Hereditary; Hereditary neoplastic syndrome; Tumor predisposition. Identifiers: Orphanet 140162, MedGen C0027672, MeSH D009386, MONDO:0015356.

Allele frequency attached by ClinVar (database versions not stated): TOPMed 0.00004; ESP Exome Variant Server 0.00008; gnomAD 0.00009 and 0.00011; 1000 Genomes Project 0.00020; 1000 Genomes Project 30x 0.00031; gnomAD exomes 0.00011 and 0.00013; ExAC 0.00014.
gnomAD v4.1: 201 of 1,613,418 alleles (0.012%); highest among the groups gnomAD compares: South Asian, 0.065%; no homozygotes.

Submissions (7):

Labcorp Genetics (formerly Invitae), Labcorp
Classification: Likely benign for Carney complex, type 1. Last evaluated: 2026-01-27. Review status: criteria provided, single submitter. Criteria: Invitae Variant Classification Sherloc (09022015). Collection method: clinical testing. Allele origin: germline.

GeneDx
Classification: Uncertain significance. Last evaluated: 2025-02-20. Review status: criteria provided, single submitter. Criteria: GeneDx Variant Classification Process June 2021. Collection method: clinical testing. Allele origin: germline.
Comment: In silico analysis indicates that this missense variant does not alter protein structure/function; Has not been previously published as pathogenic or benign to our knowledge; This variant is associated with the following publications: (PMID: 24363928)

Ambry Genetics
Classification: Benign for Hereditary cancer-predisposing syndrome. Last evaluated: 2023-05-09. Review status: criteria provided, single submitter. Criteria: Ambry Variant Classification Scheme 2023. Collection method: clinical testing. Allele origin: germline.

Blueprint Genetics
Classification: Likely benign. Last evaluated: 2023-03-24. Review status: criteria provided, single submitter. Criteria: ACMG Guidelines, 2015. Collection method: clinical testing. Allele origin: germline.

Women's Health and Genetics/Laboratory Corporation of America, LabCorp
Classification: Likely benign. Last evaluated: 2020-12-03. Review status: criteria provided, single submitter. Criteria: LabCorp Variant Classification Summary - May 2015. Collection method: clinical testing. Allele origin: germline.
Comment: Variant summary: PRKAR1A c.103A>G (p.Ile35Val) results in a conservative amino acid change located in the cAMP-dependent protein kinase regulatory subunit, dimerization-anchoring domain of the encoded protein sequence. Four of five in-silico tools predict a benign effect of the variant on protein function. The variant allele was found at a frequency of 0.00011 in 251440 control chromosomes, predominantly at a frequency of 0.00062 within the South Asian subpopulation in the gnomAD database. The observed variant frequency within South Asian control individuals in the gnomAD database is approximately 331 fold of the estimated maximal expected allele frequency for a pathogenic variant in PRKAR1A causing Carney Complex phenotype (1.9e-06), strongly suggesting that the variant is a benign polymorphism found primarily in populations of South Asian origin. To our knowledge, no occurrence of c.103A>G in individuals affected with Carney Complex and no experimental evidence demonstrating its impact on protein function have been reported. Co-occurrence with a pathogenic variant has been reported (CDKN2A c.240_253del14, p.Pro81CysfsX34), providing supporting evidence for a benign role. Three clinical diagnostic laboratories have submitted clinical-significance assessments for this variant to ClinVar after 2014 without evidence for independent evaluation (VUS n=2, likely benign n=1). Based on the evidence outlined above, the variant was classified as likely benign.

Illumina Laboratory Services, Illumina
Classification: Likely benign for Carney complex, type 1. Last evaluated: 2017-04-27. Review status: criteria provided, single submitter. Criteria: ICSL Variant Classification Criteria 13 December 2019. Collection method: clinical testing. Allele origin: germline.
Comment: This variant was observed as part of a predisposition screen in an ostensibly healthy population. A literature search was performed for the gene, cDNA change, and amino acid change (where applicable). No publications were found based on this search. Allele frequency data from public databases allowed determination this variant is unlikely to cause disease. Therefore, this variant is classified as likely benign.

Illumina Laboratory Services, Illumina
Classification: Likely benign for Acrodysostosis 1 with or without hormone resistance. Last evaluated: 2017-04-27. Review status: criteria provided, single submitter. Criteria: ICSL Variant Classification Criteria 13 December 2019. Collection method: clinical testing. Allele origin: germline.
Comment: the same text as in the submission from Illumina Laboratory Services, Illumina above.

NM_002734.5(PRKAR1A):c.103A>G (p.Ile35Val)

Gene: PRKAR1A (protein kinase cAMP-dependent type I regulatory subunit alpha; plus strand). Cytogenetic location: 17q24.2.
Variant type: single nucleotide variant.
Coding change: c.103A>G on transcript NM_002734.5 (MANE Select); coding-DNA position 103, A replaced by G.
Protein change: p.Ile35Val; replaces isoleucine 35 with valine.
Molecular consequence: missense variant.
Genome position (GRCh38, 1-based): chr17:68,515,502, A>G. VCF-style: chr17-68515502-A-G. GRCh37 (hg19) VCF-style: chr17-66511643-A-G.
Other names: c.103A>G, p.Ile35Val (NM_001276289.2, NM_001276290.1, NM_001278433.2 and 4 more transcripts); short protein forms I35V.
Identifiers: ClinVar variation 324781 (VCV000324781.23), dbSNP rs377513504, ClinGen allele CA8729158.